The following is an entry in ClinVar:

ClinVar aggregate classification (germline): Uncertain significance (1 of 4 stars; one submission).

Submission:

Labcorp Genetics (formerly Invitae), Labcorp
Classification: Uncertain significance. Last evaluated: 2023-04-20. Review status: criteria provided, single submitter. Criteria: Invitae Variant Classification Sherloc (09022015). Collection method: clinical testing. Allele origin: germline.
Comment: In summary, the available evidence is currently insufficient to determine the role of this variant in disease. Therefore, it has been classified as a Variant of Uncertain Significance. This variant disrupts the p.Arg508 amino acid residue in ABCA4. Other variant(s) that disrupt this residue have been determined to be pathogenic (PMID: 26780318, 28559085). This suggests that this residue is clinically significant, and that variants that disrupt this residue are likely to be disease-causing. An algorithm developed to predict the effect of missense changes on protein structure and function (PolyPhen-2) suggests that this variant is likely to be tolerated. This variant has not been reported in the literature in individuals affected with ABCA4-related conditions. This variant is present in population databases (no rsID available, gnomAD 0.07%). This sequence change replaces arginine, which is basic and polar, with glutamine, which is neutral and polar, at codon 508 of the ABCA4 protein (p.Arg508Gln).

Literature cited by the submitters: PubMed 26780318; PubMed 28559085.

NM_000350.3(ABCA4):c.1523_1524delinsAA (p.Arg508Gln)

Gene: ABCA4 (ATP binding cassette subfamily A member 4; minus strand). Cytogenetic location: 1p22.1.
Variant type: Indel.
Coding change: c.1523_1524delinsAA on transcript NM_000350.3 (MANE Select); coding-DNA positions 1523 to 1524, GC replaced by AA.
Protein change: p.Arg508Gln; replaces arginine 508 with glutamine.
Molecular consequence: missense variant.
Genome position (GRCh38, 1-based): chr1:94,077,720-94,077,721, GC replaced by TT on the plus strand (GC replaced by AA on the coding strand, the reverse complement: ABCA4 is on the minus strand). VCF-style: chr1-94077720-GC-TT. GRCh37 (hg19) VCF-style: chr1-94543276-GC-TT.
Other names: c.1523_1524delGCinsAA, p.Arg508Gln (NM_001425324.1); short protein forms R508Q.
Identifiers: ClinVar variation 2878021 (VCV002878021.3), dbSNP rs2523890503, ClinGen allele CA2739272672.